The following is an entry in ClinVar:

NM_144599.5(NIPA1):c.291C>G (p.Pro97=)

Gene: NIPA1 (NIPA magnesium transporter 1; plus strand). Cytogenetic location: 15q11.2.
Variant type: single nucleotide variant.
Coding change: c.291C>G on transcript NM_144599.5 (MANE Select); coding-DNA position 291, C replaced by G.
Protein change: p.Pro97=; no amino-acid change (proline 97 retained).
Molecular consequence: synonymous variant.
Genome position (GRCh38, 1-based): chr15:22,812,227, C>G. VCF-style: chr15-22812227-C-G. GRCh37 (hg19) VCF-style: chr15-23060841-G-C.
Other names: c.66C>G, p.Pro22= (NM_001142275.1).
Identifiers: ClinVar variation 315426 (VCV000315426.38), dbSNP rs199818530, ClinGen allele CA7426145.
Genomic context (GRCh38, chr15:22,812,227, plus strand): 5'-TGTTGGCCAGATTGGAAACTTCCTGGCTTACACGGCGGTCCCCACGGTCCTGGTAACCCC[C>G]CTGGGCGCCCTTGGAGTACCGTTCGGGTGAGAGCCAAGATTGTGTTTGGTATTTAATGTG-3'
Protein context (NP_653200.2, residues 87-107): YTAVPTVLVT[Pro97=]LGALGVPFGS

ClinVar aggregate classification (germline): Likely benign. Review status: criteria provided, multiple submitters, no conflicts (2 of 4 stars). 4 submissions from 4 submitters: Likely benign (4). Last evaluated 2026-01-17.

Conditions:
Hereditary spastic paraplegia 6 (SPG6). Also called: SPASTIC PARAPLEGIA 6, AUTOSOMAL DOMINANT. Identifiers: Orphanet 100988, MedGen C1838192, MONDO:0010878, OMIM 600363.

Allele frequency attached by ClinVar (database versions not stated): gnomAD 0.00006 and 0.00007; TOPMed 0.00007.
gnomAD v4.1: 201 of 1,613,616 alleles (0.012%); highest among the groups gnomAD compares: East Asian, 0.033%; no homozygotes.

Submissions (4):

Labcorp Genetics (formerly Invitae), Labcorp
Classification: Likely benign for Hereditary spastic paraplegia 6. Last evaluated: 2026-01-17. Review status: criteria provided, single submitter. Criteria: Invitae Variant Classification Sherloc (09022015). Collection method: clinical testing. Allele origin: germline.

Blueprint Genetics
Classification: Likely benign. Last evaluated: 2024-10-08. Review status: criteria provided, single submitter. Criteria: ACMG Guidelines, 2015. Collection method: clinical testing. Allele origin: germline.

CeGaT Center for Human Genetics Tuebingen
Classification: Likely benign. Last evaluated: 2023-09-01. Review status: criteria provided, single submitter. Criteria: CeGaT Center For Human Genetics Tuebingen Variant Classification Criteria Version 2. Collection method: clinical testing. Allele origin: germline. Affected: yes. Observed: 1 variant allele.
Comment: NIPA1: BP4, BP7

Illumina Laboratory Services, Illumina
Classification: Likely benign for Hereditary spastic paraplegia 6. Last evaluated: 2018-01-13. Review status: criteria provided, single submitter. Criteria: ICSL Variant Classification Criteria 13 December 2019. Collection method: clinical testing. Allele origin: germline.
Comment: This variant was observed in the ICSL laboratory as part of a predisposition screen in an ostensibly healthy population. It had not been previously curated by ICSL or reported in the Human Gene Mutation Database (HGMD: prior to June 1st, 2018), and was therefore a candidate for classification through an automated scoring system. Utilizing variant allele frequency, disease prevalence and penetrance estimates, and inheritance mode, an automated score was calculated to assess if this variant is too frequent to cause the disease. Based on the score and internal cut-off values, a variant classified as likely benign is not then subjected to further curation. The score for this variant resulted in a classification of likely benign for this disease.